The following is an entry in ClinVar:

ClinVar aggregate classification (germline): Uncertain significance. Review status: criteria provided, multiple submitters, no conflicts (2 of 4 stars). 2 submissions from 2 submitters: Uncertain significance (2). Last evaluated 2025-11-26.

Conditions:
Inborn genetic diseases. Identifiers: MedGen C0950123, MeSH D030342.
T-cell immunodeficiency, congenital alopecia, and nail dystrophy. Also called: Congenital alopecia and nail dystrophy associated with severe functional T-cell immunodeficiency; Pignata Guarino syndrome. Identifiers: Orphanet 169095, MedGen C1866426, MONDO:0011132, OMIM 601705.

Allele frequency attached by ClinVar (database versions not stated): TOPMed below 0.00001; gnomAD 0.00001 and 0.00003.
gnomAD v4.1: 45 of 1,614,108 alleles (0.0028%); highest among the groups gnomAD compares: African/African-American, 0.021%; 1 homozygote.

Submissions (2):

Ambry Genetics
Classification: Uncertain significance for Inborn genetic diseases. Last evaluated: 2025-11-26. Review status: criteria provided, single submitter. Criteria: Ambry Variant Classification Scheme 2023. Collection method: clinical testing. Allele origin: germline.

Labcorp Genetics (formerly Invitae), Labcorp
Classification: Uncertain significance for T-cell immunodeficiency, congenital alopecia, and nail dystrophy. Last evaluated: 2025-10-29. Review status: criteria provided, single submitter. Criteria: Invitae Variant Classification Sherloc (09022015). Collection method: clinical testing. Allele origin: germline.
Comment: This sequence change replaces leucine, which is neutral and non-polar, with methionine, which is neutral and non-polar, at codon 439 of the FOXN1 protein (p.Leu439Met). This variant is present in population databases (rs113097916, gnomAD 0.01%). This variant has not been reported in the literature in individuals affected with FOXN1-related conditions. ClinVar contains an entry for this variant (Variation ID: 642498). Invitae Evidence Modeling of protein sequence and biophysical properties (such as structural, functional, and spatial information, amino acid conservation, physicochemical variation, residue mobility, and thermodynamic stability) indicates that this missense variant is not expected to disrupt FOXN1 protein function with a negative predictive value of 80%. In summary, the available evidence is currently insufficient to determine the role of this variant in disease. Therefore, it has been classified as a Variant of Uncertain Significance.

NM_001369369.1(FOXN1):c.1315C>A (p.Leu439Met)

Gene: FOXN1 (forkhead box N1; plus strand). Cytogenetic location: 17q11.2.
Variant type: single nucleotide variant.
Coding change: c.1315C>A on transcript NM_001369369.1 (MANE Select); coding-DNA position 1315, C replaced by A.
Protein change: p.Leu439Met; replaces leucine 439 with methionine.
Molecular consequence: missense variant.
Genome position (GRCh38, 1-based): chr17:28,534,886, C>A. VCF-style: chr17-28534886-C-A. GRCh37 (hg19) VCF-style: chr17-26861904-C-A.
Other names: c.1315C>A, p.Leu439Met (NM_003593.3); short protein forms L439M.
Identifiers: ClinVar variation 642498 (VCV000642498.7), dbSNP rs113097916, ClinGen allele CA289120237.